The following is an entry in ClinVar:

ClinVar aggregate classification (germline): Uncertain significance (1 of 4 stars; one submission).

Submission:

CeGaT Center for Human Genetics Tuebingen
Classification: Uncertain significance. Last evaluated: 2022-06-01. Review status: criteria provided, single submitter. Criteria: CeGaT Center For Human Genetics Tuebingen Variant Classification Criteria Version 2. Collection method: clinical testing. Allele origin: germline. Affected: yes. Observed: 1 variant allele.
Comment: NAA25: PM2:Supporting, BP4

NM_024953.4(NAA25):c.1275C>A (p.Gly425=)

Gene: NAA25 (N-alpha-acetyltransferase 25, NatB auxiliary subunit; minus strand). Cytogenetic location: 12q24.13.
Variant type: single nucleotide variant.
Coding change: c.1275C>A on transcript NM_024953.4 (MANE Select); coding-DNA position 1275, C replaced by A.
Protein change: p.Gly425=; no amino-acid change (glycine 425 retained).
Molecular consequence: synonymous variant.
Genome position (GRCh38, 1-based): chr12:112,061,263, G>T on the plus strand (C>A on the coding strand, the complement: NAA25 is on the minus strand). VCF-style: chr12-112061263-G-T. GRCh37 (hg19) VCF-style: chr12-112499067-G-T.
Identifiers: ClinVar variation 2643333 (VCV002643333.24), dbSNP rs2543131897, ClinGen allele CA481888612.